The following is an entry in ClinVar:

ClinVar aggregate classification (germline): Uncertain significance (1 of 4 stars; one submission).

Conditions:
MC3R-related disorder. Also called: MC3R-related condition.

Submission:

PreventionGenetics, part of Exact Sciences
Classification: Uncertain significance for MC3R-related condition. Last evaluated: 2025-10-20. Review status: criteria provided, single submitter. Criteria: ACMG Guidelines, 2015. Collection method: clinical testing. Allele origin: germline.
Comment: The MC3R c.171C>G variant is predicted to result in the amino acid substitution p.Ile57Met. To our knowledge, this variant has not been reported in the literature. This variant is reported in 0.0018% of alleles in individuals of European (Non-Finnish) descent in gnomAD. At this time, the clinical significance of this variant is uncertain due to the absence of conclusive functional and genetic evidence.

NM_019888.3(MC3R):c.171C>G (p.Ile57Met)

Gene: MC3R (melanocortin 3 receptor; plus strand). Cytogenetic location: 20q13.2.
Variant type: single nucleotide variant.
Coding change: c.171C>G on transcript NM_019888.3 (MANE Select); coding-DNA position 171, C replaced by G.
Protein change: p.Ile57Met; replaces isoleucine 57 with methionine.
Molecular consequence: missense variant.
Genome position (GRCh38, 1-based): chr20:56,249,014, C>G. VCF-style: chr20-56249014-C-G. GRCh37 (hg19) VCF-style: chr20-54824070-C-G.
Other names: short protein forms I57M.
Identifiers: ClinVar variation 4980004 (VCV004980004.1).